The following is an entry in ClinVar:

ClinVar aggregate classification (germline): Pathogenic (1 of 4 stars; one submission).

Conditions:
Werner syndrome (WRN). Identifiers: Orphanet 902, MedGen C0043119, MONDO:0010196, OMIM 277700.

Submission:

Labcorp Genetics (formerly Invitae), Labcorp
Classification: Pathogenic for Werner syndrome. Last evaluated: 2023-10-16. Review status: criteria provided, single submitter. Criteria: Invitae Variant Classification Sherloc (09022015). Collection method: clinical testing. Allele origin: germline.
Comment: This sequence change creates a premature translational stop signal (p.Thr757Glnfs*20) in the WRN gene. It is expected to result in an absent or disrupted protein product. Loss-of-function variants in WRN are known to be pathogenic (PMID: 16673358). This variant is not present in population databases (gnomAD no frequency). This variant has not been reported in the literature in individuals affected with WRN-related conditions. For these reasons, this variant has been classified as Pathogenic.

Literature cited by the submitters: PubMed 16673358.

NM_000553.6(WRN):c.2269del (p.Thr757fs)

Gene: WRN (WRN RecQ like helicase; plus strand). Cytogenetic location: 8p12.
Variant type: Deletion.
Coding change: c.2269del on transcript NM_000553.6 (MANE Select); coding-DNA position 2269, one base deleted (A; older notation c.2269delA).
Protein change: p.Thr757fs; shifts the reading frame from threonine 757.
Molecular consequence: frameshift variant.
Genome position (GRCh38, 1-based): chr8:31,111,795, A deleted; the last of 4 consecutive A bases (chr8:31,111,792-31,111,795); deleting any one gives the same sequence. VCF-style (leftmost placement, unchanged base first): chr8-31111791-CA-C. GRCh37 (hg19) VCF-style: chr8-30969307-CA-C.
Other names: short protein forms T757fs.
Identifiers: ClinVar variation 2769067 (VCV002769067.3), dbSNP rs2535969485, ClinGen allele CA2697549799.